The following is an entry in ClinVar:

NM_001267550.2(TTN):c.60447T>G (p.Tyr20149Ter)

Genes: TTN-AS1 (TTN antisense RNA 1; plus strand), TTN (titin; minus strand). Cytogenetic location: 2q31.2.
Variant type: single nucleotide variant.
Coding change: c.60447T>G on transcript NM_001267550.2 (MANE Select); coding-DNA position 60447, T replaced by G.
Protein change: p.Tyr20149Ter; replaces tyrosine 20149 with a stop codon.
Molecular consequence: nonsense. On other transcripts: non-coding transcript variant (1).
Genome position (GRCh38, 1-based): chr2:178,591,278, A>C on the plus strand (T>G on the coding strand, the complement: TTN is on the minus strand). VCF-style: chr2-178591278-A-C. GRCh37 (hg19) VCF-style: chr2-179456005-A-C.
Other names: c.55524T>G, p.Tyr18508Ter (NM_001256850.1); c.33252T>G, p.Tyr11084Ter (NM_003319.4); c.52743T>G, p.Tyr17581Ter (NM_133378.4); c.33627T>G, p.Tyr11209Ter (NM_133432.3); c.33828T>G, p.Tyr11276Ter (NM_133437.4); short protein forms Y20149*, Y11209*, Y18508*, Y11084*, Y17581*, Y11276*.
Identifiers: ClinVar variation 466647 (VCV000466647.12), dbSNP rs1553644047, ClinGen allele CA349484513.

ClinVar aggregate classification (germline): Likely pathogenic. Review status: criteria provided, multiple submitters, no conflicts (2 of 4 stars). 2 submissions from 2 submitters: Likely pathogenic (2). Last evaluated 2025-04-14.

Conditions:
TTN-related disorder. Also called: TTN-related condition; TTN-related disease; TTN-related disorders.
Autosomal recessive limb-girdle muscular dystrophy type 2J (LGMDR10). Also called: Limb-girdle muscular dystrophy, type 2J; MUSCULAR DYSTROPHY, LIMB-GIRDLE, AUTOSOMAL RECESSIVE 10. Identifiers: Orphanet 140922, MedGen C1837342, MONDO:0012127, OMIM 608807.
Dilated cardiomyopathy 1G (CMD1G). Identifiers: Orphanet 154, MedGen C1858763, MONDO:0011400, OMIM 604145.

Submissions (2):

PreventionGenetics, part of Exact Sciences
Classification: Likely pathogenic for TTN-related condition. Last evaluated: 2025-04-14. Review status: criteria provided, single submitter. Criteria: ACMG Guidelines, 2015. Collection method: clinical testing. Allele origin: germline.
Comment: The TTN c.60447T>G variant is predicted to result in premature protein termination (p.Tyr20149*). To our knowledge, this variant has not been reported in the literature or allele frequency databases, indicating this variant is rare. The c.60447T>G variant is located in the A-band region of the protein in which truncating TTN variants have been found more frequently in dilated cardiomyopathy patients than in controls (Herman et al. 2012. PubMed ID: 22335739). RNAseq studies from heart tissue indicate this exon is commonly included in TTN mRNA transcripts (PSI of 97%-100%); however, this analysis in muscle tissue was not performed (Roberts et al. 2015. PMID: 25589632). TTN truncating variants are reported in 1-2% of presumably healthy individuals and occur more frequently in exons with low PSI values, indicating this variant is more likely to be disease causing (Roberts et al. 2015. PMID: 25589632; Herman et al. 2012. PMID: 22335739). In summary, the c.60447T>G variant is categorized as likely pathogenic for TTN-related disorders.

Labcorp Genetics (formerly Invitae), Labcorp
Classification: Likely pathogenic for Dilated cardiomyopathy 1G; Autosomal recessive limb-girdle muscular dystrophy type 2J. Last evaluated: 2023-12-07. Review status: criteria provided, single submitter. Criteria: Invitae Variant Classification Sherloc (09022015). Collection method: clinical testing. Allele origin: germline.
Comment: This sequence change creates a premature translational stop signal (p.Tyr20149*) in the TTN gene. While this is not anticipated to result in nonsense mediated decay, it is expected to create a truncated TTN protein. This variant is not present in population databases (gnomAD no frequency). This variant has not been reported in the literature in individuals affected with TTN-related conditions. ClinVar contains an entry for this variant (Variation ID: 466647). This variant is located in the A band of TTN (PMID: 25589632). Truncating variants in this region are significantly overrepresented in patients affected with dilated cardiomyopathy (PMID: 25589632). Truncating variants in this region have also been reported in individuals affected with autosomal recessive centronuclear myopathy (PMID: 23975875). In summary, the currently available evidence indicates that the variant is pathogenic, but additional data are needed to prove that conclusively. Therefore, this variant has been classified as Likely Pathogenic.

Literature cited by the submitters: PubMed 25589632 (cited by Labcorp Genetics (formerly Invitae), Labcorp); PubMed 23975875 (cited by Labcorp Genetics (formerly Invitae), Labcorp).